The following continues an entry in ClinVar:

NM_007294.4(BRCA1):c.1233T>G (p.Asp411Glu)

Gene: BRCA1. ClinVar aggregate classification (germline): Benign. Benign (1).

Submissions 13 to 16 of 16:

Biesecker Lab/Clinical Genomics Section, National Institutes of Health
Classification: Uncertain significance. Last evaluated: 2012-07-13. Review status: no assertion criteria provided. Collection method: research. Allele origin: germline. Affected: no. Observed: 1 variant allele. Study: ClinSeq. Not counted in ClinVar's aggregate classification.
Comment: The accession SCV000043182.1 was assigned erroneously to two variants. SCV000043182.1 represents NM_007294.3:c.1233T>G ; NM_001048171.1:c.53C>T is now represented by SCV000043382.1.
ClinVar note: Converted during submission from variant of unknown significance to Uncertain significance.

Sharing Clinical Reports Project (SCRP)
Classification: Benign for Breast-ovarian cancer, familial 1. Last evaluated: 2012-05-01. Review status: no assertion criteria provided. Collection method: clinical testing. Allele origin: germline. Not counted in ClinVar's aggregate classification.

Breast Cancer Information Core (BIC) (BRCA1)
Classification: Uncertain significance for Breast-ovarian cancer, familial 1. Last evaluated: 2002-05-29. Review status: no assertion criteria provided. Collection method: clinical testing. Allele origin: germline. Affected: yes. Observed: 4 variant alleles. Not counted in ClinVar's aggregate classification.

Department of Pathology and Laboratory Medicine, Sinai Health System
Classification: Uncertain significance for Malignant tumor of breast. Review status: no assertion criteria provided. Collection method: clinical testing. Allele origin: unknown. Affected: yes. Study: The Canadian Open Genetics Repository (COGR). Not counted in ClinVar's aggregate classification.
Comment: The BRCA1 p.Asp411Glu variant was identified in 1 of 556 proband chromosomes (frequency: 0.001798) from individuals or families with early onset breast cancer (Maxwell_2014), and was found in 1 of 1144 chromosomes in an exome sequencing study of a control population of individuals with atherosclerosis (Johnston_2012). The variant was also identified in dbSNP (ID: rs80357024) as â€šÃ„ÃºWith other alleleâ€šÃ„Ã¹, ClinVar (as benign by SCRP, likely benign by Invitae, Ambry Genetics, and GeneDx, and uncertain significance by Quest Diagnostics, BIC and Biesecker Lab), Clinvitae (5x), LOVD 3.0 (3x), UMD-LSDB (4x), and BIC Database (4x) databases. The variant was not identified in COGR, Cosmic, MutDB, ARUP Laboratories, or Zhejiang Colon Cancer Database. The variant was identified in control databases in 11 of 276576 chromosomes at a frequency of 0.00004 (Genome Aggregation Database Feb 27, 2017). It was observed in the following populations: African in 10 of 24008 chromosomes (freq: 0.000417), Latino in 1 of 34402 chromosomes (freq: 0.000029), and not in the Other, European (Non-Finnish), Ashkenazi Jewish, East Asian, European (Finnish), and South Asian populations. There are conflicting interpretations in the literature for this variant. Studies based on amino acid conservation classify the variant as neutral (Abkevich_2004, Burk-Herrick_2005), while a study of splicing effects (Mucaki_2010) and a study of early onset breast cancer patients (Maxwell_2014) both classified the variant as unknown significance. The p.Asp411 residue is not conserved in mammals and the variant amino acid Glutamine (Glu) is present in Red junglefowl, increasing the likelihood that this variant does not have clinical significance. Computational analyses (PolyPhen-2, SIFT, AlignGVGD, BLOSUM, MutationTaster) do not suggest a high likelihood of impact to the protein; however, this information is not predictive enough to rule out pathogenicity. The variant occurs outside of the splicing consensus sequence and in silico or computational prediction software programs (SpliceSiteFinder, MaxEntScan, NNSPLICE, GeneSplicer, HumanSpliceFinder) do not predict the abolishment of the consensus splice site. However, HumanSpliceFinder, MaxEntScan, and GeneSplicer predict an altered 5' splice site in this region and Human Splicing Finder predicts an altered 3â€šÃ„Ã´ splice site; therefore we cannot eliminate the possibility that an exon splice enhancer was modified and may lead to abnormal splicing or creation of a cryptic splice site. However, this information is not predictive enough to assume pathogenicity. In summary, based on the above information the clinical significance of this variant cannot be determined with certainty at this time. This variant is classified as a variant of uncertain significance.

Literature cited by the submitters: PubMed 32546644 (cited by ClinGen ENIGMA BRCA1 and BRCA2 Variant Curation Expert Panel, ClinGen); PubMed 16267036 (cited by Women's Health and Genetics/Laboratory Corporation of America, LabCorp and Quest Diagnostics Nichols Institute San Juan Capistrano); PubMed 16518693 (cited by 3 submitters); PubMed 15385441 (cited by Women's Health and Genetics/Laboratory Corporation of America, LabCorp and Quest Diagnostics Nichols Institute San Juan Capistrano); PubMed 15235020 (cited by 3 submitters); PubMed 21523855 (cited by Women's Health and Genetics/Laboratory Corporation of America, LabCorp and Quest Diagnostics Nichols Institute San Juan Capistrano); PubMed 25503501 (cited by Women's Health and Genetics/Laboratory Corporation of America, LabCorp and Quest Diagnostics Nichols Institute San Juan Capistrano); PubMed 28283652 (cited by Women's Health and Genetics/Laboratory Corporation of America, LabCorp).